The following is an entry in ClinVar:

ClinVar aggregate classification (germline): Conflicting classifications of pathogenicity. Review status: criteria provided, conflicting classifications (1 of 4 stars). 2 submissions from 2 submitters: Uncertain significance (1); Likely benign (1). Last evaluated 2026-06-20.

Conditions:
Cardiomyopathy (CMYO). Also called: Cardiomyopathies. Identifiers: Orphanet 167848, MedGen C0878544, MONDO:0004994, HP:0001638. Inheritance: Various modes of inheritance.
Cardiovascular phenotype. Identifiers: MedGen CN230736.

Allele frequency attached by ClinVar (database versions not stated): TOPMed 0.00001.

Submissions (2):

Ambry Genetics
Classification: Likely benign for Cardiovascular phenotype. Last evaluated: 2026-06-20. Review status: criteria provided, single submitter. Criteria: Ambry Variant Classification Scheme 2023. Collection method: clinical testing. Allele origin: germline.

All of Us Research Program, National Institutes of Health
Classification: Uncertain significance for Cardiomyopathy. Last evaluated: 2023-03-09. Review status: criteria provided, single submitter. Criteria: ACMG Guidelines, 2015. Collection method: clinical testing. Allele origin: germline. Inheritance: Autosomal dominant inheritance. Observed: 1 variant allele, 1 heterozygote.
Comment: This synonymous variant causes a nucleotide substitution but does not change the encoded amino acid at codon 1899 of the MYH7 protein. To our knowledge, functional studies have not been reported for this variant. This variant has not been reported in individuals affected with MYH7-related disorders in the literature. This variant has not been identified in the general population by the Genome Aggregation Database (gnomAD). The available evidence is insufficient to determine the role of this variant in disease conclusively. Therefore, this variant is classified as a Variant of Uncertain Significance.

This study involves interpretation of variants in research participants for the purpose of population health screening. Participant phenotype was not available at the time of variant classification. Additional details can be found in publication PMID: 35346344, PMCID: PMC8962531

NM_000257.4(MYH7):c.5697G>A (p.Val1899=)

Gene: MYH7 (myosin heavy chain 7; minus strand). Cytogenetic location: 14q11.2.
Variant type: single nucleotide variant.
Coding change: c.5697G>A on transcript NM_000257.4 (MANE Select); coding-DNA position 5697, G replaced by A.
Protein change: p.Val1899=; no amino-acid change (valine 1899 retained).
Molecular consequence: synonymous variant.
Genome position (GRCh38, 1-based): chr14:23,413,852, C>T on the plus strand (G>A on the coding strand, the complement: MYH7 is on the minus strand). VCF-style: chr14-23413852-C-T. GRCh37 (hg19) VCF-style: chr14-23883061-C-T.
Other names: c.5697G>A, p.Val1899= (NM_001407004.1).
Identifiers: ClinVar variation 3069792 (VCV003069792.2), dbSNP rs1892071289, ClinGen allele CA485616143.
Genomic context (GRCh38, chr14:23,413,852, plus strand): 5'-CTTGTTGACCTGGGACTCGGCGATGTCCGCCCGCTCCTCTGCCTCATCCAGCTCGTGCTG[C>T]ACCTTGCGGAACTTGGACAGGTTGGTGTTGGCTTGCTCCTCCTGCGGGAGGTGGGAGCAT-3'
Protein context (NP_000248.2, residues 1889-1909): ANTNLSKFRK[Val1899=]QHELDEAEER